The following is an entry in ClinVar:

NM_002578.5(PAK3):c.276+5G>A

Gene: PAK3 (p21 (RAC1) activated kinase 3; plus strand). Cytogenetic location: Xq23.
Variant type: single nucleotide variant.
Coding change: c.276+5G>A on transcript NM_002578.5 (MANE Select); 5 bases into the intron after coding-DNA position 276, G replaced by A.
Molecular consequence: intron variant.
Genome position (GRCh38, 1-based): chrX:111,142,201, G>A. VCF-style: chrX-111142201-G-A. GRCh37 (hg19) VCF-style: chrX-110385429-G-A.
Other names: c.276+5G>A (NM_001128166.3, NM_001324325.2, NM_001324330.2 and 12 more transcripts).
Identifiers: ClinVar variation 590242 (VCV000590242.3), dbSNP rs1569398792, ClinGen allele CA891843892.
Genomic context (GRCh38, chrX:111,142,201, plus strand): 5'-CAGACTTTGAGCATACGATTCATGTGGGGTTTGATGCAGTCACCGGGGAATTCACTGTAA[G>A]TAAGCTCCTTGTTTTGTTTTGTAAGCCACGAAAGAATTCCTTTGTGAAAATAGTTTTCAA-3'

ClinVar aggregate classification (germline): Likely pathogenic (1 of 4 stars; one submission).

Conditions:
History of neurodevelopmental disorder. Identifiers: MedGen C2711754.

Submission:

Ambry Genetics
Classification: Likely pathogenic for History of neurodevelopmental disorder. Last evaluated: 2013-05-23. Review status: criteria provided, single submitter. Criteria: Ambry Autosomal Dominant and X-Linked criteria (10/2015). Collection method: clinical testing. Allele origin: germline. Observed: 1 variant allele.
Comment: This variant was observed to be a likely the results of a de novo change or germline mosaicism in one family tested by our laboratory (current case). This variant has not been detected in conjunction with a pathogenic mutation to date. Allele frequency data in population-based cohorts is not currently available. This nucleotide position is completely conserved on sequence alignment.This splice prediction software does predict a deleterious effect on splicing.This splice prediction software does predict a deleterious effect on splicing.